The following is an entry in ClinVar:

ClinVar aggregate classification (germline): Uncertain significance (1 of 4 stars; one submission).

gnomAD v4.1: 3 of 1,613,216 alleles (0.00019%); highest among the groups gnomAD compares: South Asian, 0.0011%; no homozygotes.

Submission:

GeneDx
Classification: Uncertain significance. Last evaluated: 2025-06-13. Review status: criteria provided, single submitter. Criteria: GeneDx Variant Classification Process June 2021. Collection method: clinical testing. Allele origin: germline. Affected: yes.
Comment: Not observed at significant frequency in large population cohorts (gnomAD); Missense variant in a gene in which most reported pathogenic variants are truncating/loss of function; Has not been previously published as pathogenic or benign to our knowledge

NM_001267550.2(TTN):c.71447C>T (p.Ala23816Val)

Genes: TTN (titin; minus strand), TTN-AS1 (TTN antisense RNA 1; plus strand). Cytogenetic location: 2q31.2.
Variant type: single nucleotide variant.
Coding change: c.71447C>T on transcript NM_001267550.2 (MANE Select); coding-DNA position 71447, C replaced by T.
Protein change: p.Ala23816Val; replaces alanine 23816 with valine.
Molecular consequence: missense variant.
Genome position (GRCh38, 1-based): chr2:178,574,685, G>A on the plus strand (C>T on the coding strand, the complement: TTN is on the minus strand). VCF-style: chr2-178574685-G-A. GRCh37 (hg19) VCF-style: chr2-179439412-G-A.
Other names: c.66524C>T, p.Ala22175Val (NM_001256850.1); c.44252C>T, p.Ala14751Val (NM_003319.4); c.63743C>T, p.Ala21248Val (NM_133378.4); c.44627C>T, p.Ala14876Val (NM_133432.3); c.44828C>T, p.Ala14943Val (NM_133437.4); short protein forms A14751V, A14876V, A14943V, A21248V, A22175V, A23816V.
Identifiers: ClinVar variation 4538683 (VCV004538683.1).
Genomic context (GRCh38, chr2:178,574,685, plus strand): 5'-GTTACCTGAGGGGTACCAGGAGGTCCAGGAACCTTAAATGGATAGTTGGCAACTATGCAT[G>A]CTGATGTGATGCCTGGTCCAACTCCATATCTATTCTGAGCTTTTACACGGAACTGATACT-3'
Protein context (NP_001254479.2, residues 23806-23826): RYGVGPGITS[Ala23816Val]CIVANYPFKV